The following is an entry in ClinVar:

NM_031471.6(FERMT3):c.1516C>T (p.Arg506Cys)

Gene: FERMT3 (FERM domain containing kindlin 3; plus strand). Cytogenetic location: 11q13.1.
Variant type: single nucleotide variant.
Coding change: c.1516C>T on transcript NM_031471.6 (MANE Select); coding-DNA position 1516, C replaced by T.
Protein change: p.Arg506Cys; replaces arginine 506 with cysteine.
Molecular consequence: missense variant.
Genome position (GRCh38, 1-based): chr11:64,220,640, C>T. VCF-style: chr11-64220640-C-T. GRCh37 (hg19) VCF-style: chr11-63988112-C-T.
Other names: c.1516C>T, p.Arg506Cys (NM_001382361.1, NM_001382448.1); c.1528C>T, p.Arg510Cys (NM_001382362.1, NM_178443.3); c.976C>T, p.Arg326Cys (NM_001382363.1); c.988C>T, p.Arg330Cys (NM_001382364.1); short protein forms R326C, R506C, R510C, R330C.
Identifiers: ClinVar variation 1400039 (VCV001400039.4), dbSNP rs184091587, ClinGen allele CA6069188.

ClinVar aggregate classification (germline): Uncertain significance. Review status: criteria provided, multiple submitters, no conflicts (2 of 4 stars). 2 submissions from 2 submitters: Uncertain significance (2). Last evaluated 2022-07-19.

Conditions:
Leukocyte adhesion deficiency 3. Also called: INTEGRIN ACTIVATION DEFICIENCY DISEASE; LEUKOCYTE ADHESION DEFICIENCY 1 VARIANT; Leukocyte adhesion deficiency, type III. Identifiers: Orphanet 2968, Orphanet 99844, MedGen C2748536, MONDO:0013016, OMIM 612840.

gnomAD v4.1: 25 of 1,611,402 alleles (0.0016%); highest among the groups gnomAD compares: South Asian, 0.011%; no homozygotes.

Submissions (2):

Labcorp Genetics (formerly Invitae), Labcorp
Classification: Uncertain significance for Leukocyte adhesion deficiency 3. Last evaluated: 2022-07-19. Review status: criteria provided, single submitter. Criteria: Invitae Variant Classification Sherloc (09022015). Collection method: clinical testing. Allele origin: germline.
Comment: This sequence change replaces arginine, which is basic and polar, with cysteine, which is neutral and slightly polar, at codon 506 of the FERMT3 protein (p.Arg506Cys). This variant is present in population databases (rs184091587, gnomAD 0.01%). This variant has not been reported in the literature in individuals affected with FERMT3-related conditions. ClinVar contains an entry for this variant (Variation ID: 1400039). Algorithms developed to predict the effect of missense changes on protein structure and function are either unavailable or do not agree on the potential impact of this missense change (SIFT: "Deleterious"; PolyPhen-2: "Benign"; Align-GVGD: "Class C0"). In summary, the available evidence is currently insufficient to determine the role of this variant in disease. Therefore, it has been classified as a Variant of Uncertain Significance.

Blueprint Genetics
Classification: Uncertain significance. Last evaluated: 2021-07-20. Review status: criteria provided, single submitter. Criteria: ACMG Guidelines, 2015. Collection method: clinical testing. Allele origin: germline.